The following is an entry in ClinVar:

NM_018230.3(NUP133):c.769C>T (p.Arg257Ter)

Gene: NUP133 (nucleoporin 133; minus strand). Cytogenetic location: 1q42.13.
Variant type: single nucleotide variant.
Coding change: c.769C>T on transcript NM_018230.3 (MANE Select); coding-DNA position 769, C replaced by T.
Protein change: p.Arg257Ter; replaces arginine 257 with a stop codon.
Molecular consequence: nonsense.
Genome position (GRCh38, 1-based): chr1:229,498,186, G>A on the plus strand (C>T on the coding strand, the complement: NUP133 is on the minus strand). VCF-style: chr1-229498186-G-A. GRCh37 (hg19) VCF-style: chr1-229633933-G-A.
Other names: short protein forms R257*.
Identifiers: ClinVar variation 2748555 (VCV002748555.3), dbSNP rs754442852, ClinGen allele CA1443726.

ClinVar aggregate classification (germline): Uncertain significance (1 of 4 stars; one submission).

Allele frequency attached by ClinVar (database versions not stated): gnomAD exomes below 0.00001; ExAC 0.00001.

Submission:

Labcorp Genetics (formerly Invitae), Labcorp
Classification: Uncertain significance. Last evaluated: 2023-07-30. Review status: criteria provided, single submitter. Criteria: Invitae Variant Classification Sherloc (09022015). Collection method: clinical testing. Allele origin: germline.
Comment: In summary, the available evidence is currently insufficient to determine the role of this variant in disease. Therefore, it has been classified as a Variant of Uncertain Significance. This variant has not been reported in the literature in individuals affected with NUP133-related conditions. This variant is present in population databases (rs754442852, gnomAD 0.003%). This sequence change creates a premature translational stop signal (p.Arg257*) in the NUP133 gene. It is expected to result in an absent or disrupted protein product. However, the current clinical and genetic evidence is not sufficient to establish whether loss-of-function variants in NUP133 cause disease.